The following is an entry in ClinVar:

NM_001042517.2(DIAPH3):c.3516C>T (p.Gly1172=)

Gene: DIAPH3 (diaphanous related formin 3; minus strand). Cytogenetic location: 13q21.2.
Variant type: single nucleotide variant.
Coding change: c.3516C>T on transcript NM_001042517.2 (MANE Select); coding-DNA position 3516, C replaced by T.
Protein change: p.Gly1172=; no amino-acid change (glycine 1172 retained).
Molecular consequence: synonymous variant.
Genome position (GRCh38, 1-based): chr13:59,666,650, G>A on the plus strand (C>T on the coding strand, the complement: DIAPH3 is on the minus strand). VCF-style: chr13-59666650-G-A. GRCh37 (hg19) VCF-style: chr13-60240784-G-A.
Other names: c.3483C>T, p.Gly1161= (NM_001258366.2); c.3378C>T, p.Gly1126= (NM_001258367.2); c.3306C>T, p.Gly1102= (NM_001258368.2).
Identifiers: ClinVar variation 2643831 (VCV002643831.24), dbSNP rs1356222220, ClinGen allele CA484036884.
Genomic context (GRCh38, chr13:59,666,650, plus strand): 5'-AGCTCGTAATCTTGCCAGCAGGGCTTCAACTTCGGGAACTGATTCATTTTTAGAAAAAGA[G>A]CCAAGAAGTTCCGTTTCCTTTTTTCTGTTGCTTTCTACATTACACGCTTCCTTCTTCTCA-3'
Protein context (NP_001035982.1, residues 1162-1182): SNRKKETELL[Gly1172=]SFSKNESVPE

ClinVar aggregate classification (germline): Likely benign (1 of 4 stars; one submission).

Allele frequency attached by ClinVar (database versions not stated): gnomAD 0.00001; gnomAD exomes 0.00001; TOPMed 0.00002.
gnomAD v4.1: 20 of 1,613,980 alleles (0.0012%); highest among the groups gnomAD compares: Admixed American, 0.0067%; no homozygotes.

Submission:

CeGaT Center for Human Genetics Tuebingen
Classification: Likely benign. Last evaluated: 2022-07-01. Review status: criteria provided, single submitter. Criteria: CeGaT Center For Human Genetics Tuebingen Variant Classification Criteria Version 2. Collection method: clinical testing. Allele origin: germline. Affected: yes. Observed: 1 variant allele.
Comment: DIAPH3: BP4